The following is an entry in ClinVar:

ClinVar aggregate classification (germline): Uncertain significance (1 of 4 stars; one submission).

Conditions:
Dilated cardiomyopathy 1HH (CMD1HH). Identifiers: Orphanet 154, MedGen C3151293, MONDO:0013479, OMIM 613881.
Myofibrillar myopathy 6. Identifiers: Orphanet 199340, MedGen C2751831, MONDO:0013061, OMIM 612954.

Submission:

Labcorp Genetics (formerly Invitae), Labcorp
Classification: Uncertain significance for Dilated cardiomyopathy 1HH; Myofibrillar myopathy 6. Last evaluated: 2023-11-03. Review status: criteria provided, single submitter. Criteria: Invitae Variant Classification Sherloc (09022015). Collection method: clinical testing. Allele origin: germline.
Comment: This sequence change replaces leucine, which is neutral and non-polar, with valine, which is neutral and non-polar, at codon 491 of the BAG3 protein (p.Leu491Val). This variant is not present in population databases (gnomAD no frequency). This variant has not been reported in the literature in individuals affected with BAG3-related conditions. Advanced modeling of protein sequence and biophysical properties (such as structural, functional, and spatial information, amino acid conservation, physicochemical variation, residue mobility, and thermodynamic stability) performed at Invitae indicates that this missense variant is expected to disrupt BAG3 protein function with a positive predictive value of 80%. In summary, the available evidence is currently insufficient to determine the role of this variant in disease. Therefore, it has been classified as a Variant of Uncertain Significance.

NM_004281.4(BAG3):c.1471T>G (p.Leu491Val)

Gene: BAG3 (BAG cochaperone 3; plus strand). Cytogenetic location: 10q26.11.
Variant type: single nucleotide variant.
Coding change: c.1471T>G on transcript NM_004281.4 (MANE Select); coding-DNA position 1471, T replaced by G.
Protein change: p.Leu491Val; replaces leucine 491 with valine.
Molecular consequence: missense variant.
Genome position (GRCh38, 1-based): chr10:119,677,025, T>G. VCF-style: chr10-119677025-T-G. GRCh37 (hg19) VCF-style: chr10-121436537-T-G.
Other names: short protein forms L491V.
Identifiers: ClinVar variation 2944420 (VCV002944420.3), dbSNP rs2494024220, ClinGen allele CA378297388.